The following is an entry in ClinVar:

NM_000132.4(F8):c.755_756del (p.Thr252fs)

Gene: F8 (coagulation factor VIII; minus strand). Cytogenetic location: Xq28.
Variant type: Microsatellite.
Coding change: c.755_756del on transcript NM_000132.4 (MANE Select); coding-DNA positions 755 to 756, 2 bases deleted (CA; older notation c.755_756delCA).
Protein change: p.Thr252fs; shifts the reading frame from threonine 252.
Molecular consequence: frameshift variant.
Genome position (GRCh38, 1-based): chrX:154,984,718-154,984,719, TG deleted on the plus strand (CA on the coding strand, the reverse complement: F8 is on the minus strand); deleting any 2 consecutive bases within chrX:154,984,718-154,984,723 gives the same sequence; the c. name uses the placement nearest the transcript's 3' end. VCF-style (leftmost placement, unchanged base first): chrX-154984717-CTG-C. GRCh37 (hg19) VCF-style: chrX-154212992-CTG-C.
Other names: p.Thr252Serfs*32; c.755_756del (NM_000132.3); short protein forms T252fs.
Identifiers: ClinVar variation 2444211 (VCV002444211.2), dbSNP rs2073549219, ClinGen allele CA2466854189.

ClinVar aggregate classification (germline): Pathogenic. Review status: criteria provided, multiple submitters, no conflicts (2 of 4 stars). 2 submissions from 2 submitters: Pathogenic (2). Last evaluated 2023-06-22.

Conditions:
Hereditary factor VIII deficiency disease (HEMA). Also called: Hemophilia A, congenital; HEM A; Factor 8 deficiency, congenital; HEMOPHILIA, CLASSIC; AUTOSOMAL HEMOPHILIA A; Hemophilia A. Identifiers: Orphanet 98878, MedGen C0019069, MONDO:0010602, OMIM 306700.

Submissions (2):

Mayo Clinic Laboratories, Mayo Clinic
Classification: Pathogenic. Last evaluated: 2023-06-22. Review status: criteria provided, single submitter. Criteria: ACMG Guidelines, 2015. Collection method: clinical testing. Allele origin: germline. Observed: 1 variant allele.
Comment: PM2_moderate, PS4_moderate, PVS1

3billion
Classification: Pathogenic for Hereditary factor VIII deficiency disease. Last evaluated: 2023-02-23. Review status: criteria provided, single submitter. Criteria: ACMG Guidelines, 2015. Collection method: clinical testing. Allele origin: unknown. Affected: yes.
Comment: The variant is not observed in the gnomAD v2.1.1 dataset. This variant was predicted to result in a loss or disruption of normal protein function through nonsense-mediated decay (NMD) or protein truncation. Multiple pathogenic variants are reported downstream of the variant. The variant has been reported to be associated with F8 related disorder (PMID: 12204009). Therefore, this variant is classified as Pathogenic according to the recommendation of ACMG/AMP guideline.

Literature cited by the submitters: PubMed 12204009 (cited by Mayo Clinic Laboratories, Mayo Clinic and 3billion); PubMed 16128892 (cited by Mayo Clinic Laboratories, Mayo Clinic); PubMed 32026663 (cited by Mayo Clinic Laboratories, Mayo Clinic); PubMed 37285902 (cited by Mayo Clinic Laboratories, Mayo Clinic).